The following is an entry in ClinVar:

NM_006516.4(SLC2A1):c.892T>A (p.Phe298Ile)

Gene: SLC2A1 (solute carrier family 2 member 1; minus strand). Cytogenetic location: 1p34.2.
Variant type: single nucleotide variant.
Coding change: c.892T>A on transcript NM_006516.4 (MANE Select); coding-DNA position 892, T replaced by A.
Protein change: p.Phe298Ile; replaces phenylalanine 298 with isoleucine.
Molecular consequence: missense variant.
Genome position (GRCh38, 1-based): chr1:42,929,290, A>T on the plus strand (T>A on the coding strand, the complement: SLC2A1 is on the minus strand). VCF-style: chr1-42929290-A-T. GRCh37 (hg19) VCF-style: chr1-43394961-A-T.
Other names: short protein forms F298I.
Identifiers: ClinVar variation 2743075 (VCV002743075.3), dbSNP rs2524990143, ClinGen allele CA339956866.

ClinVar aggregate classification (germline): Uncertain significance (1 of 4 stars; one submission).

Conditions:
GLUT1 deficiency syndrome 1, autosomal recessive. Identifiers: MedGen C3149117.

Submission:

Labcorp Genetics (formerly Invitae), Labcorp
Classification: Uncertain significance for GLUT1 deficiency syndrome 1, autosomal recessive. Last evaluated: 2023-07-13. Review status: criteria provided, single submitter. Criteria: Invitae Variant Classification Sherloc (09022015). Collection method: clinical testing. Allele origin: germline.
Comment: This sequence change replaces phenylalanine, which is neutral and non-polar, with isoleucine, which is neutral and non-polar, at codon 298 of the SLC2A1 protein (p.Phe298Ile). This variant is not present in population databases (gnomAD no frequency). This variant has not been reported in the literature in individuals affected with SLC2A1-related conditions. Advanced modeling of protein sequence and biophysical properties (such as structural, functional, and spatial information, amino acid conservation, physicochemical variation, residue mobility, and thermodynamic stability) performed at Invitae indicates that this missense variant is expected to disrupt SLC2A1 protein function. In summary, the available evidence is currently insufficient to determine the role of this variant in disease. Therefore, it has been classified as a Variant of Uncertain Significance.